The following is an entry in ClinVar:

NM_058216.3(RAD51C):c.252G>A (p.Lys84=)

Gene: RAD51C (RAD51 paralog C; plus strand). Cytogenetic location: 17q22.
Variant type: single nucleotide variant.
Coding change: c.252G>A on transcript NM_058216.3 (MANE Select); coding-DNA position 252, G replaced by A.
Protein change: p.Lys84=; no amino-acid change (lysine 84 retained).
Molecular consequence: synonymous variant. On other transcripts: non-coding transcript variant (2).
Genome position (GRCh38, 1-based): chr17:58,695,037, G>A. VCF-style: chr17-58695037-G-A. GRCh37 (hg19) VCF-style: chr17-56772398-G-A.
Other names: c.252G>A, p.Lys84= (NM_002876.4).
Identifiers: ClinVar variation 415841 (VCV000415841.11), dbSNP rs786202890, ClinGen allele CA16615442.

ClinVar aggregate classification (germline): Benign/Likely benign. Review status: criteria provided, multiple submitters, no conflicts (2 of 4 stars). 2 submissions from 2 submitters: Benign (1); Likely benign (1). Last evaluated 2025-02-14.

Conditions:
Fanconi anemia complementation group O. Also called: RAD51C-Related Fanconi Anemia. Identifiers: Orphanet 84, MedGen C3150653, MONDO:0013248, OMIM 613390.
Breast-ovarian cancer, familial, susceptibility to, 3. Also called: RAD51C-Related Breast/Ovarian Cancer. Identifiers: Orphanet 145, MedGen C3150659, MONDO:0013253, OMIM 613399.

gnomAD v4.1: 1 of 1,614,072 alleles (0.000062%); highest among the groups gnomAD compares: Non-Finnish European, 0.000085%; no homozygotes.

Submissions (2):

Myriad Genetics, Inc.
Classification: Benign for Breast-ovarian cancer, familial, susceptibility to, 3. Last evaluated: 2025-02-14. Review status: criteria provided, single submitter. Criteria: Myriad Autosomal Dominant, Autosomal Recessive and X-Linked Classification Criteria (2023). Collection method: clinical testing. Allele origin: unknown.
Comment: This variant is considered benign. This variant is a silent/synonymous amino acid change and it is not expected to impact splicing.

Labcorp Genetics (formerly Invitae), Labcorp
Classification: Likely benign for Fanconi anemia complementation group O. Last evaluated: 2022-11-23. Review status: criteria provided, single submitter. Criteria: Invitae Variant Classification Sherloc (09022015). Collection method: clinical testing. Allele origin: germline.